The following is an entry in ClinVar:

ClinVar aggregate classification (germline): Uncertain significance (1 of 4 stars; one submission).

Conditions:
MATR3-related disorder. Also called: MATR3-related condition.

Submission:

PreventionGenetics, part of Exact Sciences
Classification: Uncertain significance for MATR3-related condition. Last evaluated: 2025-03-02. Review status: criteria provided, single submitter. Criteria: ACMG Guidelines, 2015. Collection method: clinical testing. Allele origin: germline.
Comment: The MATR3 c.1133C>A variant is predicted to result in the amino acid substitution p.Ala378Asp. To our knowledge, this variant has not been reported in the literature or in a large population database (gnomAD), indicating this variant is rare. Another variant affecting the same amino acid, p.Ala378Thr, has been reported with uncertain significance in an individual with amyotrophic lateral sclerosis (Pensato et al. 2020. PubMed ID: 32028661). At this time, the clinical significance of this variant is uncertain due to the absence of conclusive functional and genetic evidence.

NM_018834.6(MATR3):c.1133C>A (p.Ala378Asp)

Gene: MATR3 (matrin 3; plus strand). Cytogenetic location: 5q31.2.
Variant type: single nucleotide variant.
Coding change: c.1133C>A on transcript NM_018834.6 (MANE Select); coding-DNA position 1133, C replaced by A.
Protein change: p.Ala378Asp; replaces alanine 378 with aspartic acid.
Molecular consequence: missense variant.
Genome position (GRCh38, 1-based): chr5:139,317,056, C>A. VCF-style: chr5-139317056-C-A. GRCh37 (hg19) VCF-style: chr5-138652745-C-A.
Other names: c.1133C>A, p.Ala378Asp (NM_001194954.2, NM_001194955.2, NM_001400441.1 and 16 more transcripts); c.269C>A, p.Ala90Asp (NM_001194956.2); c.119C>A, p.Ala40Asp (NM_001282278.2, NM_001400460.1, NM_001400462.1 and 5 more transcripts); c.272C>A, p.Ala91Asp (NM_001400459.1); c.233C>A, p.Ala78Asp (NM_001400461.1); short protein forms A90D, A378D, A91D, A78D, A40D.
Identifiers: ClinVar variation 4997373 (VCV004997373.1).